The following is an entry in ClinVar:

NM_018489.3(ASH1L):c.1102G>C (p.Val368Leu)

Gene: ASH1L (ASH1 like histone lysine methyltransferase; minus strand). Cytogenetic location: 1q22.
Variant type: single nucleotide variant.
Coding change: c.1102G>C on transcript NM_018489.3 (MANE Select); coding-DNA position 1102, G replaced by C.
Protein change: p.Val368Leu; replaces valine 368 with leucine.
Molecular consequence: missense variant.
Genome position (GRCh38, 1-based): chr1:155,481,768, C>G on the plus strand (G>C on the coding strand, the complement: ASH1L is on the minus strand). VCF-style: chr1-155481768-C-G. GRCh37 (hg19) VCF-style: chr1-155451559-C-G.
Other names: c.1102G>C, p.Val368Leu (NM_001366177.2); short protein forms V368L.
Identifiers: ClinVar variation 2506657 (VCV002506657.1), dbSNP rs2527202790, ClinGen allele CA342738657.

ClinVar aggregate classification (germline): Uncertain significance (1 of 4 stars; one submission).

gnomAD v4.1: 1 of 1,614,196 alleles (0.000062%); highest among the groups gnomAD compares: Non-Finnish European, 0.000085%; no homozygotes.

Submission:

GeneDx
Classification: Uncertain significance. Last evaluated: 2022-12-20. Review status: criteria provided, single submitter. Criteria: GeneDx Variant Classification Process June 2021. Collection method: clinical testing. Allele origin: germline. Affected: yes.
Comment: Not observed at significant frequency in large population cohorts (gnomAD); In silico analysis supports that this missense variant does not alter protein structure/function; Has not been previously published as pathogenic or benign to our knowledge